The following is an entry in ClinVar:

NM_014806.5(RUSC2):c.4436G>A (p.Arg1479Gln)

Gene: RUSC2 (RUN and SH3 domain containing 2; plus strand). Cytogenetic location: 9p13.3.
Variant type: single nucleotide variant.
Coding change: c.4436G>A on transcript NM_014806.5 (MANE Select); coding-DNA position 4436, G replaced by A.
Protein change: p.Arg1479Gln; replaces arginine 1479 with glutamine.
Molecular consequence: missense variant. On other transcripts: non-coding transcript variant (1).
Genome position (GRCh38, 1-based): chr9:35,561,267, G>A. VCF-style: chr9-35561267-G-A. GRCh37 (hg19) VCF-style: chr9-35561264-G-A.
Other names: c.4436G>A, p.Arg1479Gln (NM_001135999.2); c.1802G>A, p.Arg601Gln (NM_001330740.2); short protein forms R601Q, R1479Q.
Identifiers: ClinVar variation 1409247 (VCV001409247.6), dbSNP rs766019007, ClinGen allele CA5044403.

ClinVar aggregate classification (germline): Uncertain significance (1 of 4 stars; one submission).

Allele frequency attached by ClinVar (database versions not stated): gnomAD 0.00001; TOPMed 0.00002; gnomAD exomes 0.00005 and 0.00010; ExAC 0.00006.
gnomAD v4.1: 143 of 1,614,068 alleles (0.0089%); highest among the groups gnomAD compares: East Asian, 0.27%; no homozygotes.

Submission:

Labcorp Genetics (formerly Invitae), Labcorp
Classification: Uncertain significance. Last evaluated: 2022-11-08. Review status: criteria provided, single submitter. Criteria: Invitae Variant Classification Sherloc (09022015). Collection method: clinical testing. Allele origin: germline.
Comment: This variant has not been reported in the literature in individuals affected with RUSC2-related conditions. In summary, the available evidence is currently insufficient to determine the role of this variant in disease. Therefore, it has been classified as a Variant of Uncertain Significance. Algorithms developed to predict the effect of missense changes on protein structure and function output the following: SIFT: "Tolerated"; PolyPhen-2: "Benign"; Align-GVGD: "Class C0". The glutamine amino acid residue is found in multiple mammalian species, which suggests that this missense change does not adversely affect protein function. ClinVar contains an entry for this variant (Variation ID: 1409247). This variant is present in population databases (rs766019007, gnomAD 0.05%). This sequence change replaces arginine, which is basic and polar, with glutamine, which is neutral and polar, at codon 1479 of the RUSC2 protein (p.Arg1479Gln).